The following is an entry in ClinVar:

ClinVar aggregate classification (germline): Uncertain significance (1 of 4 stars; one submission).

Allele frequency attached by ClinVar (database versions not stated): gnomAD 0.00001; gnomAD exomes 0.00001; ExAC 0.00002.
gnomAD v4.1: 16 of 1,614,092 alleles (0.00099%); highest among the groups gnomAD compares: South Asian, 0.0077%; no homozygotes.

Submission:

Labcorp Genetics (formerly Invitae), Labcorp
Classification: Uncertain significance. Last evaluated: 2023-07-31. Review status: criteria provided, single submitter. Criteria: Invitae Variant Classification Sherloc (09022015). Collection method: clinical testing. Allele origin: germline.
Comment: This variant has not been reported in the literature in individuals affected with CFI-related conditions. In summary, the available evidence is currently insufficient to determine the role of this variant in disease. Therefore, it has been classified as a Variant of Uncertain Significance. Advanced modeling of protein sequence and biophysical properties (such as structural, functional, and spatial information, amino acid conservation, physicochemical variation, residue mobility, and thermodynamic stability) performed at Invitae indicates that this missense variant is expected to disrupt CFI protein function. This variant is present in population databases (rs764739067, gnomAD 0.003%). This sequence change replaces tryptophan, which is neutral and slightly polar, with arginine, which is basic and polar, at codon 51 of the CFI protein (p.Trp51Arg).

NM_000204.5(CFI):c.151T>C (p.Trp51Arg)

Gene: CFI (complement factor I; minus strand). Cytogenetic location: 4q25.
Variant type: single nucleotide variant.
Coding change: c.151T>C on transcript NM_000204.5 (MANE Select); coding-DNA position 151, T replaced by C.
Protein change: p.Trp51Arg; replaces tryptophan 51 with arginine.
Molecular consequence: missense variant. On other transcripts: non-coding transcript variant (3), intron variant (1).
Genome position (GRCh38, 1-based): chr4:109,766,731, A>G on the plus strand (T>C on the coding strand, the complement: CFI is on the minus strand). VCF-style: chr4-109766731-A-G. GRCh37 (hg19) VCF-style: chr4-110687887-A-G.
Other names: c.151T>C, p.Trp51Arg (NM_001318057.2, NM_001331035.2, NM_001375278.1 and 5 more transcripts); c.-127-5039T>C (NM_001375284.1); short protein forms W51R.
Identifiers: ClinVar variation 2990335 (VCV002990335.3), dbSNP rs764739067, ClinGen allele CA3042341.